The following is an entry in ClinVar:

NM_145059.3(FCSK):c.1519T>G (p.Trp507Gly)

Gene: FCSK (fucose kinase; plus strand). Cytogenetic location: 16q22.1.
Variant type: single nucleotide variant.
Coding change: c.1519T>G on transcript NM_145059.3 (MANE Select); coding-DNA position 1519, T replaced by G.
Protein change: p.Trp507Gly; replaces tryptophan 507 with glycine.
Molecular consequence: missense variant.
Genome position (GRCh38, 1-based): chr16:70,473,095, T>G. VCF-style: chr16-70473095-T-G. GRCh37 (hg19) VCF-style: chr16-70506998-T-G.
Other names: short protein forms W507G.
Identifiers: ClinVar variation 4739791 (VCV004739791.1).

ClinVar aggregate classification (germline): Uncertain significance (1 of 4 stars; one submission).

gnomAD v4.1: 29 of 1,588,318 alleles (0.0018%); highest among the groups gnomAD compares: African/African-American, 0.028%; no homozygotes.

Submission:

Labcorp Genetics (formerly Invitae), Labcorp
Classification: Uncertain significance. Last evaluated: 2025-03-05. Review status: criteria provided, single submitter. Criteria: Invitae Variant Classification Sherloc (09022015). Collection method: clinical testing. Allele origin: germline.
Comment: This sequence change replaces tryptophan, which is neutral and slightly polar, with glycine, which is neutral and non-polar, at codon 507 of the FUK protein (p.Trp507Gly). This variant is present in population databases (rs766908433, gnomAD 0.03%). This variant has not been reported in the literature in individuals affected with FUK-related conditions. An algorithm developed to predict the effect of missense changes on protein structure and function (PolyPhen-2) suggests that this variant is likely to be disruptive. In summary, the available evidence is currently insufficient to determine the role of this variant in disease. Therefore, it has been classified as a Variant of Uncertain Significance.